The following is an entry in ClinVar:

NM_001386795.1(DTNA):c.961C>G (p.Pro321Ala)

Gene: DTNA (dystrobrevin alpha; plus strand). Cytogenetic location: 18q12.1.
Variant type: single nucleotide variant.
Coding change: c.961C>G on transcript NM_001386795.1 (MANE Select); coding-DNA position 961, C replaced by G.
Protein change: p.Pro321Ala; replaces proline 321 with alanine.
Molecular consequence: missense variant. On other transcripts: intron variant (1).
Genome position (GRCh38, 1-based): chr18:34,820,875, C>G. VCF-style: chr18-34820875-C-G. GRCh37 (hg19) VCF-style: chr18-32400839-C-G.
Other names: c.961C>G, p.Pro321Ala (NM_001128175.2, NM_001198938.2, NM_001198939.2 and 34 more transcripts); c.7C>G, p.Pro3Ala (NM_001198942.1, NM_001198944.1, NM_032980.4 and 1 more transcripts); c.211C>G, p.Pro71Ala (NM_001198943.1); c.603+8762C>G (NM_001198945.2); short protein forms P71A, P321A, P3A.
Identifiers: ClinVar variation 1996160 (VCV001996160.4), dbSNP rs2518187977, ClinGen allele CA402169279.

ClinVar aggregate classification (germline): Uncertain significance (1 of 4 stars; one submission).

Conditions:
Left ventricular noncompaction 1 (LVNC1). Also called: LEFT VENTRICULAR NONCOMPACTION 1 WITH OR WITHOUT CONGENITAL HEART DEFECTS. Identifiers: Orphanet 54260, MedGen C1858725, MONDO:0011403, OMIM 604169.

Allele frequency attached by ClinVar (database versions not stated): gnomAD exomes below 0.00001.
gnomAD v4.1: 1 of 1,614,122 alleles (0.000062%); highest among the groups gnomAD compares: Non-Finnish European, 0.000085%; no homozygotes.

Submission:

Labcorp Genetics (formerly Invitae), Labcorp
Classification: Uncertain significance for Left ventricular noncompaction 1. Last evaluated: 2022-05-18. Review status: criteria provided, single submitter. Criteria: Invitae Variant Classification Sherloc (09022015). Collection method: clinical testing. Allele origin: germline.
Comment: This variant has not been reported in the literature in individuals affected with DTNA-related conditions. This variant is not present in population databases (gnomAD no frequency). This sequence change replaces proline, which is neutral and non-polar, with alanine, which is neutral and non-polar, at codon 321 of the DTNA protein (p.Pro321Ala). In summary, the available evidence is currently insufficient to determine the role of this variant in disease. Therefore, it has been classified as a Variant of Uncertain Significance. Algorithms developed to predict the effect of missense changes on protein structure and function are either unavailable or do not agree on the potential impact of this missense change (SIFT: "Tolerated"; PolyPhen-2: "Possibly Damaging"; Align-GVGD: "Class C0").